The following is an entry in ClinVar:

NM_001044385.3(TMEM237):c.365C>T (p.Ala122Val)

Gene: TMEM237 (transmembrane protein 237; minus strand). Cytogenetic location: 2q33.1.
Variant type: single nucleotide variant.
Coding change: c.365C>T on transcript NM_001044385.3 (MANE Select); coding-DNA position 365, C replaced by T.
Protein change: p.Ala122Val; replaces alanine 122 with valine.
Molecular consequence: missense variant.
Genome position (GRCh38, 1-based): chr2:201,633,341, G>A on the plus strand (C>T on the coding strand, the complement: TMEM237 is on the minus strand). VCF-style: chr2-201633341-G-A. GRCh37 (hg19) VCF-style: chr2-202498064-G-A.
Other names: c.341C>T, p.Ala114Val (NM_152388.4); short protein forms A114V, A122V.
Identifiers: ClinVar variation 1005918 (VCV001005918.9), dbSNP rs772680401, ClinGen allele CA2056511.

ClinVar aggregate classification (germline): Uncertain significance (1 of 4 stars; one submission).

Conditions:
Joubert syndrome 14 (JBTS14). Identifiers: MedGen C3280766, MONDO:0013745, OMIM 614424.

Allele frequency attached by ClinVar (database versions not stated): gnomAD exomes below 0.00001; gnomAD 0.00001; TOPMed 0.00001; ExAC 0.00002.
gnomAD v4.1: 3 of 1,597,424 alleles (0.00019%); highest among the groups gnomAD compares: African/African-American, 0.0013%; no homozygotes.

Submissions (2):

Labcorp Genetics (formerly Invitae), Labcorp
Classification: Uncertain significance for Joubert syndrome 14. Last evaluated: 2022-07-12. Review status: criteria provided, single submitter. Criteria: Invitae Variant Classification Sherloc (09022015). Collection method: clinical testing. Allele origin: germline.
Comment: In summary, the available evidence is currently insufficient to determine the role of this variant in disease. Therefore, it has been classified as a Variant of Uncertain Significance. This sequence change replaces alanine, which is neutral and non-polar, with valine, which is neutral and non-polar, at codon 122 of the TMEM237 protein (p.Ala122Val). Algorithms developed to predict the effect of sequence changes on RNA splicing suggest that this variant may create or strengthen a splice site. Algorithms developed to predict the effect of missense changes on protein structure and function output the following: SIFT: "Tolerated"; PolyPhen-2: "Benign"; Align-GVGD: "Class C0". The valine amino acid residue is found in multiple mammalian species, which suggests that this missense change does not adversely affect protein function. ClinVar contains an entry for this variant (Variation ID: 1005918). This variant has not been reported in the literature in individuals affected with TMEM237-related conditions. The frequency data for this variant in the population databases is considered unreliable, as metrics indicate poor data quality at this position in the gnomAD database.

Dr. Peter K. Rogan Lab, Western University
No classification provided (evidence only). Condition: Gastric cancer. Review status: no classification provided. Collection method: in vitro. Allele origin: not applicable. Functional consequence: retained intron. Not counted in ClinVar's aggregate classification.